The following is an entry in ClinVar:

NM_000593.6(TAP1):c.214G>A (p.Ala72Thr)

Gene: TAP1 (transporter 1, ATP binding cassette subfamily B member; minus strand). Cytogenetic location: 6p21.32.
Variant type: single nucleotide variant.
Coding change: c.214G>A on transcript NM_000593.6 (MANE Select); coding-DNA position 214, G replaced by A.
Protein change: p.Ala72Thr; replaces alanine 72 with threonine.
Molecular consequence: missense variant.
Genome position (GRCh38, 1-based): chr6:32,853,423, C>T on the plus strand (G>A on the coding strand, the complement: TAP1 is on the minus strand). VCF-style: chr6-32853423-C-T. GRCh37 (hg19) VCF-style: chr6-32821200-C-T.
Other names: short protein forms A72T.
Identifiers: ClinVar variation 1461104 (VCV001461104.8), dbSNP rs1266560493, ClinGen allele CA363582986.

ClinVar aggregate classification (germline): Uncertain significance (1 of 4 stars; one submission).

Conditions:
MHC class I deficiency. Identifiers: Orphanet 34592, MedGen C6024714, MONDO:0011476.

Allele frequency attached by ClinVar (database versions not stated): gnomAD exomes below 0.00001; gnomAD 0.00001; TOPMed 0.00001.
gnomAD v4.1: 3 of 1,611,298 alleles (0.00019%); highest among the groups gnomAD compares: Admixed American, 0.0017%; no homozygotes.

Submission:

Labcorp Genetics (formerly Invitae), Labcorp
Classification: Uncertain significance for MHC class I deficiency 1. Last evaluated: 2024-02-24. Review status: criteria provided, single submitter. Criteria: Invitae Variant Classification Sherloc (09022015). Collection method: clinical testing. Allele origin: germline.
Comment: This sequence change replaces alanine, which is neutral and non-polar, with threonine, which is neutral and polar, at codon 132 of the TAP1 protein (p.Ala132Thr). This variant is present in population databases (no rsID available, gnomAD 0.003%). This variant has not been reported in the literature in individuals affected with TAP1-related conditions. ClinVar contains an entry for this variant (Variation ID: 1461104). An algorithm developed to predict the effect of missense changes on protein structure and function (PolyPhen-2) suggests that this variant is likely to be tolerated. In summary, the available evidence is currently insufficient to determine the role of this variant in disease. Therefore, it has been classified as a Variant of Uncertain Significance.